The following is an entry in ClinVar:

NM_007294.4(BRCA1):c.5081_5086del (p.Glu1694_Phe1695del)

Gene: BRCA1 (BRCA1 DNA repair associated; minus strand). Cytogenetic location: 17q21.31.
Variant type: Deletion.
Coding change: c.5081_5086del on transcript NM_007294.4 (MANE Select); coding-DNA positions 5081 to 5086, 6 bases deleted (AGTTTG; older notation c.5081_5086delAGTTTG).
Protein change: p.Glu1694_Phe1695del.
Molecular consequence: inframe deletion. On other transcripts: inframe indel (1), intron variant (2).
Genome position (GRCh38, 1-based): chr17:43,063,940-43,063,945, CAAACT deleted on the plus strand (AGTTTG on the coding strand, the reverse complement: BRCA1 is on the minus strand); deleting any 6 consecutive bases within chr17:43,063,940-43,063,947 gives the same sequence; the c. name uses the placement nearest the transcript's 3' end. VCF-style (leftmost placement, unchanged base first): chr17-43063939-ACAAACT-A. GRCh37 (hg19) VCF-style: chr17-41215956-ACAAACT-A.
Other names: c.4940_4945del, p.Glu1647_Phe1648del (NM_001407727.1, NM_001407728.1, NM_001407729.1 and 13 more transcripts); c.4937_4942del, p.Glu1646_Phe1647del (NM_001407732.1, NM_001407744.1, NM_001407740.1 and 21 more transcripts); c.1646_1651del, p.Glu549_Phe550del (NM_001408435.1, NM_001408432.1, NM_001408433.1 and 10 more transcripts); c.4868_4873del, p.Glu1623_Phe1624del (NM_001407571.1, NM_001407894.1, NM_001407895.1 and 12 more transcripts); c.5147_5152del, p.Glu1716_Phe1717del (NM_001407581.1, NM_001407582.1); c.5144_5149del, p.Glu1715_Phe1716del (NM_001407583.1, NM_001407585.1, NM_001407587.1 and 1 more transcripts); c.5141_5146del, p.Glu1714_Phe1715del (NM_001407590.1, NM_001407591.1); c.5081_5086del, p.Glu1694_Phe1695del (NM_001407593.1, NM_001407594.1, NM_001407596.1 and 7 more transcripts); and 74 more.
Identifiers: ClinVar variation 2687489 (VCV002687489.2), dbSNP rs2549561006, ClinGen allele CA2697559913.

ClinVar aggregate classification (germline): Uncertain significance. Review status: criteria provided, multiple submitters, no conflicts (2 of 4 stars). 2 submissions from 2 submitters: Uncertain significance (2). Last evaluated 2025-10-21.

Conditions:
Hereditary breast ovarian cancer syndrome. Also called: Hereditary breast and ovarian cancer syndrome (HBOC); Breast and ovarian cancer; Hereditary breast and ovarian cancer; Hereditary breast and ovarian cancer syndrome; BRCA1- and BRCA2-Associated Hereditary Breast and Ovarian Cancer; Hereditary breast and/or ovarian cancer syndrome. Identifiers: Orphanet 145, MedGen C0677776, MeSH D061325, MONDO:0003582. Disease mechanism: loss of function.

Submissions (2):

Labcorp Genetics (formerly Invitae), Labcorp
Classification: Uncertain significance for Hereditary breast ovarian cancer syndrome. Last evaluated: 2025-10-21. Review status: criteria provided, single submitter. Criteria: Invitae Variant Classification Sherloc (09022015). Collection method: clinical testing. Allele origin: germline.
Comment: This variant, c.5081_5086del, results in the deletion of 2 amino acid(s) of the BRCA1 protein (p.Glu1694_Phe1695del), but otherwise preserves the integrity of the reading frame. This variant is not present in population databases (gnomAD no frequency). This variant has not been reported in the literature in individuals affected with BRCA1-related conditions. ClinVar contains an entry for this variant (Variation ID: 2687489). Experimental studies and prediction algorithms are not available or were not evaluated, and the functional significance of this variant is currently unknown. In summary, the available evidence is currently insufficient to determine the role of this variant in disease. Therefore, it has been classified as a Variant of Uncertain Significance.

German Consortium for Hereditary Breast and Ovarian Cancer, University Hospital Cologne
Classification: Uncertain significance for Hereditary breast ovarian cancer syndrome. Last evaluated: 2024-01-09. Review status: criteria provided, single submitter. Criteria: ClinGen BRCA1 V1.0.0. Collection method: curation. Allele origin: germline.
Comment: . According to the ClinGen ENIGMA BRCA1 v1.0.0 criteria we chose this criterium: PM2 (supporting pathogenic): not in gnomAD